The following is an entry in ClinVar:

NM_016341.4(PLCE1):c.6826T>C (p.Leu2276=)

Genes: PLCE1 (phospholipase C epsilon 1; plus strand), NOC3L (NOC3 like DNA replication regulator; minus strand). Cytogenetic location: 10q23.33.
Variant type: single nucleotide variant.
Coding change: c.6826T>C on transcript NM_016341.4 (MANE Select); coding-DNA position 6826, T replaced by C.
Protein change: p.Leu2276=; no amino-acid change (leucine 2276 retained).
Molecular consequence: synonymous variant.
Genome position (GRCh38, 1-based): chr10:94,324,997, T>C. VCF-style: chr10-94324997-T-C. GRCh37 (hg19) VCF-style: chr10-96084754-T-C.
Other names: c.5902T>C, p.Leu1968= (NM_001165979.2); c.6778T>C, p.Leu2260= (NM_001288989.2).
Identifiers: ClinVar variation 2071204 (VCV002071204.26), dbSNP rs756616558, ClinGen allele CA5613671.

ClinVar aggregate classification (germline): Likely benign. Review status: criteria provided, multiple submitters, no conflicts (2 of 4 stars). 3 submissions from 3 submitters: Likely benign (3). Last evaluated 2026-06-01.

Allele frequency attached by ClinVar (database versions not stated): gnomAD 0.00001; gnomAD exomes 0.00001; ExAC 0.00003; TOPMed 0.00005.
gnomAD v4.1: 32 of 1,614,056 alleles (0.002%); highest among the groups gnomAD compares: East Asian, 0.018%; no homozygotes.

Submissions (3):

CeGaT Center for Human Genetics Tuebingen
Classification: Likely benign. Last evaluated: 2026-06-01. Review status: criteria provided, single submitter. Criteria: CeGaT Center For Human Genetics Tuebingen Variant Classification Criteria Version 2. Collection method: clinical testing. Allele origin: germline. Affected: yes. Observed: 2 variant alleles.
Comment: PLCE1: BP4, BP7

Labcorp Genetics (formerly Invitae), Labcorp
Classification: Likely benign. Last evaluated: 2025-06-12. Review status: criteria provided, single submitter. Criteria: Invitae Variant Classification Sherloc (09022015). Collection method: clinical testing. Allele origin: germline.

Blueprint Genetics
Classification: Likely benign. Last evaluated: 2023-12-15. Review status: criteria provided, single submitter. Criteria: ACMG Guidelines, 2015. Collection method: clinical testing. Allele origin: germline.